The following is an entry in ClinVar:

NM_000400.4(ERCC2):c.595-1G>T

Gene: ERCC2 (ERCC excision repair 2, TFIIH core complex helicase subunit; minus strand). Cytogenetic location: 19q13.32.
Variant type: single nucleotide variant.
Coding change: c.595-1G>T on transcript NM_000400.4 (MANE Select); the canonical splice acceptor site of the intron before coding-DNA position 595, G replaced by T.
Molecular consequence: splice acceptor variant.
Genome position (GRCh38, 1-based): chr19:45,364,548, C>A on the plus strand (G>T on the coding strand, the complement: ERCC2 is on the minus strand). VCF-style: chr19-45364548-C-A. GRCh37 (hg19) VCF-style: chr19-45867806-C-A.
Other names: c.523-1G>T (NM_001130867.2).
Identifiers: ClinVar variation 2830363 (VCV002830363.3), dbSNP rs1254210696, ClinGen allele CA406375577.

ClinVar aggregate classification (germline): Likely pathogenic (1 of 4 stars; one submission).

Submission:

Labcorp Genetics (formerly Invitae), Labcorp
Classification: Likely pathogenic. Last evaluated: 2023-01-20. Review status: criteria provided, single submitter. Criteria: Invitae Variant Classification Sherloc (09022015). Collection method: clinical testing. Allele origin: germline.
Comment: In summary, the currently available evidence indicates that the variant is pathogenic, but additional data are needed to prove that conclusively. Therefore, this variant has been classified as Likely Pathogenic. Algorithms developed to predict the effect of sequence changes on RNA splicing suggest that this variant may disrupt the consensus splice site. This variant has not been reported in the literature in individuals affected with ERCC2-related conditions. This variant is not present in population databases (gnomAD no frequency). This sequence change affects an acceptor splice site in intron 7 of the ERCC2 gene. It is expected to disrupt RNA splicing. Variants that disrupt the donor or acceptor splice site typically lead to a loss of protein function (PMID: 16199547), and loss-of-function variants in ERCC2 are known to be pathogenic (PMID: 9238033, 11335038, 19085937, 19934020).

Literature cited by the submitters: PubMed 16199547; PubMed 9238033; PubMed 11335038; PubMed 19085937; PubMed 19934020.